The following is an entry in ClinVar:

NM_005859.5(PURA):c.449G>A (p.Arg150His)

Gene: PURA (purine rich element binding protein A; plus strand). Cytogenetic location: 5q31.3.
Variant type: single nucleotide variant.
Coding change: c.449G>A on transcript NM_005859.5 (MANE Select); coding-DNA position 449, G replaced by A.
Protein change: p.Arg150His; replaces arginine 150 with histidine.
Molecular consequence: missense variant.
Genome position (GRCh38, 1-based): chr5:140,114,630, G>A. VCF-style: chr5-140114630-G-A. GRCh37 (hg19) VCF-style: chr5-139494215-G-A.
Other names: short protein forms R150H.
Identifiers: ClinVar variation 3381942 (VCV003381942.2).

ClinVar aggregate classification (germline): Uncertain significance (1 of 4 stars; one submission).

Conditions:
PURA-related severe neonatal hypotonia-seizures-encephalopathy syndrome (NEDRIHF). Also called: PURA-Related Neurodevelopmental Disorders; NEURODEVELOPMENTAL DISORDER WITH NEONATAL RESPIRATORY INSUFFICIENCY, HYPOTONIA, AND FEEDING DIFFICULTIES. Identifiers: Orphanet 438213, Orphanet 438216, MedGen C4015357, MONDO:1060108, OMIM 616158, MONDO:0018580.

Submission:

Juno Genomics, Hangzhou Juno Genomics, Inc
Classification: Uncertain significance for PURA-related severe neonatal hypotonia-seizures-encephalopathy syndrome. Review status: criteria provided, single submitter. Criteria: ACMG Guidelines, 2015. Collection method: clinical testing. Allele origin: germline. Affected: yes.
Comment: Absent from controls (or at extremely low frequency if recessive) in Genome Aggregation Database, Exome Sequencing Project, 1000 Genomes Project, or Exome Aggregation Consortium.;Missense variant in a gene that has a low rate of benign missense variation and where missense variants are a common mechanism of disease.;Assumed de novo, but without confirmation of paternity and maternity.